The following is an entry in ClinVar:

NM_017414.4(USP18):c.772C>T (p.Arg258Ter)

Gene: USP18 (ubiquitin specific peptidase 18; plus strand). Cytogenetic location: 22q11.21.
Variant type: single nucleotide variant.
Coding change: c.772C>T on transcript NM_017414.4 (MANE Select); coding-DNA position 772, C replaced by T.
Protein change: p.Arg258Ter; replaces arginine 258 with a stop codon.
Molecular consequence: nonsense.
Genome position (GRCh38, 1-based): chr22:18,170,801, C>T. VCF-style: chr22-18170801-C-T. GRCh37 (hg19) VCF-style: chr22-18653568-C-T.
Other names: short protein forms R258*.
Identifiers: ClinVar variation 3256725 (VCV003256725.1).

ClinVar aggregate classification (germline): Pathogenic (1 of 4 stars; one submission).

Conditions:
Pseudo-TORCH syndrome 2 (PTORCH2). Also called: USP18 deficiency. Identifiers: Orphanet 481665, MedGen C4479376, MONDO:0018828, OMIM 617397.

Submission:

Cytogenetics and Genomics Lab, Cyprus Institute Of Neurology and Genetics
Classification: Pathogenic for Pseudo-TORCH syndrome 2. Last evaluated: 2024-07-21. Review status: criteria provided, single submitter. Criteria: ACGS Guidelines, 2020. Collection method: research. Allele origin: maternal. Affected: yes.
Comment: This is a null variant in a gene where loss-of-function is a known mechnism of disease (PVS1_very strong). It is also found in extremely low frequency in gnomAD population database (PM2_supporting). In addition the patient's phenotype is highly specific for a disease with a single genetic aetiology relevant to USP18 (PP4_supporting).